The following is an entry in ClinVar:

ClinVar aggregate classification (germline): Conflicting classifications of pathogenicity. Review status: criteria provided, conflicting classifications (1 of 4 stars). 6 submissions from 5 submitters: Uncertain significance (5); Likely benign (1). Last evaluated 2025-12-21.

Conditions:
Cardiovascular phenotype. Identifiers: MedGen CN230736.
Hereditary cancer-predisposing syndrome. Also called: Hereditary Cancer Syndrome; Neoplastic Syndromes, Hereditary; Tumor predisposition; Hereditary neoplastic syndrome. Identifiers: Orphanet 140162, MedGen C0027672, MeSH D009386, MONDO:0015356.
Neurofibromatosis, type 1 (NF1). Also called: Neurofibromatosis, type I; VON RECKLINGHAUSEN DISEASE; NEUROFIBROMATOSIS, TYPE I, SOMATIC; Peripheral type neurofibromatosis. Identifiers: Orphanet 636, MedGen C0027831, MONDO:0018975, OMIM 162200. Disease mechanism: loss of function.
Juvenile myelomonocytic leukemia (JMML). Also called: LEUKEMIA, JUVENILE MYELOMONOCYTIC, SOMATIC. Identifiers: Orphanet 86834, MedGen C0349639, MONDO:0011908, OMIM 607785, HP:0012209.

Allele frequency attached by ClinVar (database versions not stated): gnomAD exomes below 0.00001; TOPMed below 0.00001; ExAC 0.00001.

Submissions (6):

Labcorp Genetics (formerly Invitae), Labcorp
Classification: Likely benign for Neurofibromatosis, type 1. Last evaluated: 2025-12-21. Review status: criteria provided, single submitter. Criteria: Invitae Variant Classification Sherloc (09022015). Collection method: clinical testing. Allele origin: germline.

Baylor Genetics
Classification: Uncertain significance for Juvenile myelomonocytic leukemia. Last evaluated: 2024-03-11. Review status: criteria provided, single submitter. Criteria: ACMG Guidelines, 2015. Collection method: clinical testing. Allele origin: unknown.

Genome-Nilou Lab
Classification: Uncertain significance for Neurofibromatosis, type 1. Last evaluated: 2022-03-15. Review status: criteria provided, single submitter. Criteria: ACMG Guidelines, 2015. Collection method: clinical testing. Allele origin: germline. Affected: no.

Ambry Genetics
Classification: Uncertain significance for Cardiovascular phenotype; Hereditary cancer-predisposing syndrome. Last evaluated: 2021-05-28. Review status: criteria provided, single submitter. Criteria: Ambry Variant Classification Scheme 2023. Collection method: clinical testing. Allele origin: germline.

GeneDx
Classification: Uncertain significance. Last evaluated: 2018-03-19. Review status: criteria provided, single submitter. Criteria: GeneDx Variant Classification (06012015). Collection method: clinical testing. Allele origin: germline. Affected: yes.
Comment: This variant is denoted NF1 c.8120C>T at the cDNA level, p.Ala2707Val (A2707V) at the protein level, and results in the change of an Alanine to a Valine (GCT>GTT). This variant has not, to our knowledge, been published in the literature as pathogenic or benign. NF1 Ala2707Val was not observed at a significant allele frequency in large population cohorts (Lek 2016). This variant is located in the C-terminal domain (Luo 2014). In silico analysis, which includes protein predictors and evolutionary conservation, supports a deleterious effect. Based on currently available evidence, it is unclear whether NF1 Ala2707Val is a pathogenic or benign variant. We consider it to be a variant of uncertain significance.

Ambry Genetics
Classification: Uncertain significance for Hereditary cancer-predisposing syndrome. Last evaluated: 2015-02-10. Review status: criteria provided, single submitter. Criteria: Ambry Autosomal Dominant and X-Linked criteria (10/2015). Collection method: clinical testing. Allele origin: germline. Observed: 1 variant allele.
Comment: Thep.A2728Vvariant (also known as c.8183C>T), located in coding exon 57 of theNF1gene, results from a C to T substitution at nucleotide position 8183. The alanine at codon 2728 is replaced by valine, an amino acid with similar properties. This variant was not reported in population based cohorts in the following databases: Database of Single Nucleotide Polymorphisms (dbSNP), NHLBI Exome Sequencing Project (ESP), and 1000 Genomes Project. In the ESP, this variant was not observed in 6503 samples (13006 alleles) with coverage at this position. To date, this alteration has been detected with an allele frequency of approximately 0.003% (greater than 30,000 alleles tested) in our clinical cohort. This amino acid position is highly conserved in available vertebrate species. In addition, the in silico prediction for this alteration is inconclusive. Since supporting evidence is limited at this time, the clinical significance of p.A2728V remains unclear.

NM_001042492.3(NF1):c.8183C>T (p.Ala2728Val)

Gene: NF1 (neurofibromin 1; plus strand). Cytogenetic location: 17q11.2.
Variant type: single nucleotide variant.
Coding change: c.8183C>T on transcript NM_001042492.3 (MANE Select); coding-DNA position 8183, C replaced by T.
Protein change: p.Ala2728Val; replaces alanine 2728 with valine.
Molecular consequence: missense variant.
Genome position (GRCh38, 1-based): chr17:31,360,509, C>T. VCF-style: chr17-31360509-C-T. GRCh37 (hg19) VCF-style: chr17-29687527-C-T.
Other names: c.8120C>T, p.Ala2707Val (NM_000267.4); short protein forms A2707V, A2728V.
Identifiers: ClinVar variation 230400 (VCV000230400.13), dbSNP rs760973918, ClinGen allele CA8487776.